The following is an entry in ClinVar:

ClinVar aggregate classification (germline): Uncertain significance. Review status: criteria provided, multiple submitters, no conflicts (2 of 4 stars). 3 submissions from 3 submitters: Uncertain significance (3). Last evaluated 2024-03-06.

Conditions:
Cardiomyopathy (CMYO). Also called: Cardiomyopathies. Identifiers: Orphanet 167848, MedGen C0878544, MONDO:0004994, HP:0001638. Inheritance: Various modes of inheritance.
Arrhythmogenic right ventricular dysplasia 5. Also called: Arrhythmogenic Right Ventricular Dysplasia/Cardiomyopathy 5; ARRHYTHMOGENIC RIGHT VENTRICULAR DYSPLASIA, FAMILIAL, 5. Identifiers: MedGen C1858379, MONDO:0011459, OMIM 604400.

gnomAD v4.1: 2 of 1,614,024 alleles (0.00012%); highest among the groups gnomAD compares: Non-Finnish European, 0.00017%; no homozygotes.

Submissions (3):

Color Diagnostics, LLC DBA Color Health
Classification: Uncertain significance for Cardiomyopathy. Last evaluated: 2024-03-06. Review status: criteria provided, single submitter. Criteria: ACMG Guidelines, 2015. Collection method: clinical testing. Allele origin: germline.
Comment: This missense variant replaces aspartic acid with glycine at codon 162 of the TMEM43 protein. Computational prediction is inconclusive regarding the impact of this variant on protein structure and function (internally defined REVEL score threshold 0.5 < inconclusive < 0.7, PMID: 27666373). To our knowledge, functional studies have not been reported for this variant. This variant has not been reported in individuals affected with cardiovascular disorders in the literature. This variant has not been identified in the general population by the Genome Aggregation Database (gnomAD). The available evidence is insufficient to determine the role of this variant in disease conclusively. Therefore, this variant is classified as a Variant of Uncertain Significance.

Labcorp Genetics (formerly Invitae), Labcorp
Classification: Uncertain significance for Arrhythmogenic right ventricular dysplasia 5. Last evaluated: 2023-09-08. Review status: criteria provided, single submitter. Criteria: Invitae Variant Classification Sherloc (09022015). Collection method: clinical testing. Allele origin: germline.
Comment: This sequence change replaces aspartic acid, which is acidic and polar, with glycine, which is neutral and non-polar, at codon 162 of the TMEM43 protein (p.Asp162Gly). In summary, the available evidence is currently insufficient to determine the role of this variant in disease. Therefore, it has been classified as a Variant of Uncertain Significance. Advanced modeling of protein sequence and biophysical properties (such as structural, functional, and spatial information, amino acid conservation, physicochemical variation, residue mobility, and thermodynamic stability) performed at Invitae indicates that this missense variant is expected to disrupt TMEM43 protein function. ClinVar contains an entry for this variant (Variation ID: 918528). This variant has not been reported in the literature in individuals affected with TMEM43-related conditions. This variant is not present in population databases (gnomAD no frequency).

All of Us Research Program, National Institutes of Health
Classification: Uncertain significance for Arrhythmogenic right ventricular dysplasia 5. Last evaluated: 2023-08-23. Review status: criteria provided, single submitter. Criteria: ACMG Guidelines, 2015. Collection method: clinical testing. Allele origin: germline. Inheritance: Autosomal dominant inheritance. Observed: 1 variant allele, 1 heterozygote.
Comment: Variant of Uncertain Significance due to insufficient evidence: This missense variant is located in the cytoplasmic domain of the TMEM43 protein. Computational prediction tools and conservation analyses are inconclusive regarding the impact of this variant on the protein function. Computational splicing tools suggest that this variant may not impact RNA splicing. To our knowledge, functional assays have not been performed for this variant nor has this variant been reported in individuals affected with cardiovascular disorders in the literature. This variant is rare in the general population and has been identified in 0/277264 chromosomes by the Genome Aggregation Database (gnomAD). Available evidence is insufficient to determine the role of this variant in disease conclusively.

This study involves interpretation of variants in research participants for the purpose of population health screening. Participant phenotype was not available at the time of variant classification. Additional details can be found in publication PMID: 35346344, PMCID: PMC8962531

NM_024334.3(TMEM43):c.485A>G (p.Asp162Gly)

Gene: TMEM43 (transmembrane protein 43; plus strand). Cytogenetic location: 3p25.1.
Variant type: single nucleotide variant.
Coding change: c.485A>G on transcript NM_024334.3 (MANE Select); coding-DNA position 485, A replaced by G.
Protein change: p.Asp162Gly; replaces aspartic acid 162 with glycine.
Molecular consequence: missense variant.
Genome position (GRCh38, 1-based): chr3:14,132,908, A>G. VCF-style: chr3-14132908-A-G. GRCh37 (hg19) VCF-style: chr3-14174408-A-G.
Other names: short protein forms D162G.
Identifiers: ClinVar variation 918528 (VCV000918528.9), dbSNP rs1312639832, ClinGen allele CA351535195.